The following is an entry in ClinVar:

ClinVar aggregate classification (germline): Uncertain significance (1 of 4 stars; one submission).

Conditions:
Inclusion body myopathy with Paget disease of bone and frontotemporal dementia. Also called: Inclusion body myopathy with early-onset Paget disease and frontotemporal dementia. Identifiers: Orphanet 52430, MedGen C1833662, MONDO:0000507.
Frontotemporal dementia and/or amyotrophic lateral sclerosis 6 (FTDALS6). Also called: VCP-Related Amyotrophic Lateral Sclerosis; VCP-Related Amyotrophic Lateral Sclerosis/Frontotemporal Dementia. Identifiers: Orphanet 275872, Orphanet 803, MedGen C5436279, MONDO:0013501, OMIM 613954.

Allele frequency attached by ClinVar (database versions not stated): gnomAD exomes below 0.00001; ExAC 0.00001; gnomAD 0.00001; TOPMed 0.00001; 1000 Genomes Project 30x 0.00016; 1000 Genomes Project 0.00020.
gnomAD v4.1: 8 of 1,614,152 alleles (0.0005%); highest among the groups gnomAD compares: Middle Eastern, 0.016%; no homozygotes.

Submission:

Labcorp Genetics (formerly Invitae), Labcorp
Classification: Uncertain significance for Inclusion body myopathy with Paget disease of bone and frontotemporal dementia; Frontotemporal dementia and/or amyotrophic lateral sclerosis 6. Last evaluated: 2023-08-30. Review status: criteria provided, single submitter. Criteria: Invitae Variant Classification Sherloc (09022015). Collection method: clinical testing. Allele origin: germline.
Comment: In summary, the available evidence is currently insufficient to determine the role of this variant in disease. Therefore, it has been classified as a Variant of Uncertain Significance. An algorithm developed to predict the effect of missense changes on protein structure and function (PolyPhen-2) suggests that this variant is likely to be tolerated. This variant has not been reported in the literature in individuals affected with VCP-related conditions. This variant is present in population databases (rs186780925, gnomAD 0.0009%). This sequence change replaces threonine, which is neutral and polar, with isoleucine, which is neutral and non-polar, at codon 436 of the VCP protein (p.Thr436Ile).

NM_007126.5(VCP):c.1307C>T (p.Thr436Ile)

Gene: VCP (valosin containing protein; minus strand). Cytogenetic location: 9p13.3.
Variant type: single nucleotide variant.
Coding change: c.1307C>T on transcript NM_007126.5 (MANE Select); coding-DNA position 1307, C replaced by T.
Protein change: p.Thr436Ile; replaces threonine 436 with isoleucine.
Molecular consequence: missense variant.
Genome position (GRCh38, 1-based): chr9:35,061,067, G>A on the plus strand (C>T on the coding strand, the complement: VCP is on the minus strand). VCF-style: chr9-35061067-G-A. GRCh37 (hg19) VCF-style: chr9-35061064-G-A.
Other names: c.1172C>T, p.Thr391Ile (NM_001354927.2, NM_001354928.2); short protein forms T391I, T436I.
Identifiers: ClinVar variation 2925944 (VCV002925944.3), dbSNP rs186780925, ClinGen allele CA5039283.